The following is an entry in ClinVar:

NM_001369.3(DNAH5):c.5115-5T>C

Gene: DNAH5 (dynein axonemal heavy chain 5; minus strand). Cytogenetic location: 5p15.2.
Variant type: single nucleotide variant.
Coding change: c.5115-5T>C on transcript NM_001369.3 (MANE Select); 5 bases into the intron before coding-DNA position 5115, T replaced by C.
Molecular consequence: intron variant.
Genome position (GRCh38, 1-based): chr5:13,844,998, A>G on the plus strand (T>C on the coding strand, the complement: DNAH5 is on the minus strand). VCF-style: chr5-13844998-A-G. GRCh37 (hg19) VCF-style: chr5-13845107-A-G.
Other names: p.?.
Identifiers: ClinVar variation 163149 (VCV000163149.34), dbSNP rs4429853, ClinGen allele CA175793.

ClinVar aggregate classification (germline): Benign/Likely benign. Review status: criteria provided, multiple submitters, no conflicts (2 of 4 stars). 13 submissions from 13 submitters: Benign (9); Likely benign (1). 3 of the submissions do not count toward it. Last evaluated 2026-02-04.

Conditions:
Primary ciliary dyskinesia. Also called: Ciliary dyskinesia. Identifiers: Orphanet 244, MedGen C0008780, MONDO:0016575, HP:0012265.
Primary ciliary dyskinesia 3. Identifiers: Orphanet 244, MedGen C1837618, MONDO:0012085, OMIM 608644.

Allele frequency attached by ClinVar (database versions not stated): gnomAD exomes 0.35866 and 0.37878; ExAC 0.38376; ESP Exome Variant Server 0.39920; gnomAD 0.40087 and 0.40224; TOPMed 0.41299; 1000 Genomes Project 30x 0.45253; 1000 Genomes Project 0.45647.
gnomAD v4.1: 585,161 of 1,611,676 alleles (36%); highest among the groups gnomAD compares: East Asian, 56%; 108,496 homozygotes.

Submissions (13):

Labcorp Genetics (formerly Invitae), Labcorp
Classification: Benign for Primary ciliary dyskinesia. Last evaluated: 2026-02-04. Review status: criteria provided, single submitter. Criteria: Invitae Variant Classification Sherloc (09022015). Collection method: clinical testing. Allele origin: germline.

Blueprint Genetics
Classification: Likely benign. Last evaluated: 2024-11-26. Review status: criteria provided, single submitter. Criteria: ACMG Guidelines, 2015. Collection method: clinical testing. Allele origin: germline.

Mayo Clinic Laboratories, Mayo Clinic
Classification: Benign. Last evaluated: 2022-04-26. Review status: criteria provided, single submitter. Criteria: ACMG Guidelines, 2015. Collection method: clinical testing. Allele origin: germline. Observed: 131 variant alleles.

Pars Genome Lab
Classification: Benign for Primary ciliary dyskinesia 3. Last evaluated: 2021-06-15. Review status: criteria provided, single submitter. Criteria: ACMG Guidelines, 2015. Collection method: clinical testing. Allele origin: germline. Affected: no.

GeneDx
Classification: Benign. Last evaluated: 2018-11-10. Review status: criteria provided, single submitter. Criteria: GeneDx Variant Classification Process June 2021. Collection method: clinical testing. Allele origin: germline. Affected: yes.

Illumina Laboratory Services, Illumina
Classification: Benign for Primary ciliary dyskinesia 3. Last evaluated: 2018-01-13. Review status: criteria provided, single submitter. Criteria: ICSL Variant Classification Criteria 13 December 2019. Collection method: clinical testing. Allele origin: germline.
Comment: This variant was observed in the ICSL laboratory as part of a predisposition screen in an ostensibly healthy population. It had not been previously curated by ICSL or reported in the Human Gene Mutation Database (HGMD: prior to June 1st, 2018), and was therefore a candidate for classification through an automated scoring system. Utilizing variant allele frequency, disease prevalence and penetrance estimates, and inheritance mode, an automated score was calculated to assess if this variant is too frequent to cause the disease. Based on the score and internal cut-off values, a variant classified as benign is not then subjected to further curation. The score for this variant resulted in a classification of benign for this disease.

Ambry Genetics
Classification: Benign for Primary ciliary dyskinesia. Last evaluated: 2014-12-10. Review status: criteria provided, single submitter. Criteria: Ambry Variant Classification Scheme 2023. Collection method: clinical testing. Allele origin: germline.

Laboratory for Molecular Medicine, Mass General Brigham Personalized Medicine
Classification: Benign. Last evaluated: 2013-02-21. Review status: criteria provided, single submitter. Criteria: LMM Criteria. Collection method: clinical testing. Allele origin: germline. Observed: 66 variant alleles.
Comment: 5115-5T>C in intron 31 of DNAH5: This variant is not expected to have clinical s ignificance because it has been identified in 49.9% (2200/4406) of African Ameri can chromosomes from a broad population by the NHLBI Exome Sequencing Project (dbSNP rs4429853).

Breakthrough Genomics
Classification: Benign. Review status: criteria provided, single submitter. Criteria: ACMG Guidelines, 2015. Collection method: not provided. Allele origin: germline. Inheritance: Autosomal recessive inheritance. Affected: yes.

PreventionGenetics, part of Exact Sciences
Classification: Benign. Review status: criteria provided, single submitter. Criteria: ACMG Guidelines, 2015. Collection method: clinical testing. Allele origin: germline.

Natera, Inc.
Classification: Benign for Primary ciliary dyskinesia. Last evaluated: 2020-09-16. Review status: no assertion criteria provided. Collection method: clinical testing. Allele origin: germline. Not counted in ClinVar's aggregate classification.

Clinical Genetics DNA and cytogenetics Diagnostics Lab, Erasmus MC, Erasmus Medical Center
Classification: Benign. Review status: no assertion criteria provided. Collection method: clinical testing. Allele origin: germline. Affected: yes. Study: VKGL Data-share Consensus. Not counted in ClinVar's aggregate classification.

Diagnostic Laboratory, Department of Genetics, University Medical Center Groningen
Classification: Benign. Review status: no assertion criteria provided. Collection method: clinical testing. Allele origin: germline. Affected: yes. Study: VKGL Data-share Consensus. Not counted in ClinVar's aggregate classification.